The following is an entry in ClinVar:

ClinVar aggregate classification (germline): Uncertain significance (1 of 4 stars; one submission).

Conditions:
Predisposition to invasive fungal disease due to CARD9 deficiency (IMD103). Also called: IMMUNODEFICIENCY 103, SUSCEPTIBILITY TO FUNGAL INFECTIONS; CARD9 IMMUNODEFICIENCY; Candidiasis, familial, 2, autosomal recessive. Identifiers: Orphanet 457088, MedGen C1859353, MONDO:0008905, OMIM 212050.

Submission:

Labcorp Genetics (formerly Invitae), Labcorp
Classification: Uncertain significance for Predisposition to invasive fungal disease due to CARD9 deficiency. Last evaluated: 2025-07-01. Review status: criteria provided, single submitter. Criteria: Invitae Variant Classification Sherloc (09022015). Collection method: clinical testing. Allele origin: germline.
Comment: This sequence change replaces proline, which is neutral and non-polar, with arginine, which is basic and polar, at codon 487 of the CARD9 protein (p.Pro487Arg). This variant is not present in population databases (gnomAD no frequency). This variant has not been reported in the literature in individuals affected with CARD9-related conditions. An algorithm developed to predict the effect of missense changes on protein structure and function (PolyPhen-2) suggests that this variant is likely to be disruptive. In summary, the available evidence is currently insufficient to determine the role of this variant in disease. Therefore, it has been classified as a Variant of Uncertain Significance.

NM_052813.5(CARD9):c.1460C>G (p.Pro487Arg)

Gene: CARD9 (caspase recruitment domain family member 9; minus strand). Cytogenetic location: 9q34.3.
Variant type: single nucleotide variant.
Coding change: c.1460C>G on transcript NM_052813.5 (MANE Select); coding-DNA position 1460, C replaced by G.
Protein change: p.Pro487Arg; replaces proline 487 with arginine.
Molecular consequence: missense variant. On other transcripts: intron variant (1).
Genome position (GRCh38, 1-based): chr9:136,364,534, G>C on the plus strand (C>G on the coding strand, the complement: CARD9 is on the minus strand). VCF-style: chr9-136364534-G-C. GRCh37 (hg19) VCF-style: chr9-139258986-G-C.
Other names: c.1441+19C>G (NM_052814.4); short protein forms P487R.
Identifiers: ClinVar variation 4774573 (VCV004774573.1).
Genomic context (GRCh38, chr9:136,364,534, plus strand): 5'-CCCGCCTACCTGCGGTAGTTCTCAAAACTCTCTTTGAGGCGCCGCCGCTCCTTCTCGGGC[G>C]GCTCCCCGCTGCTCAGGCCTGCGTCCTGGAGAAGGGGGAAGGCTCGGGCTCCGGCCGGCT-3'
Protein context (NP_434700.2, residues 477-497): PHDAGLSSGE[Pro487Arg]PEKERRRLKE